The following is an entry in ClinVar:

NM_014336.5(AIPL1):c.97G>C (p.Val33Leu)

Gene: AIPL1 (AIP like 1 HSP90 co-chaperone; minus strand). Cytogenetic location: 17p13.2.
Variant type: single nucleotide variant.
Coding change: c.97G>C on transcript NM_014336.5 (MANE Select); coding-DNA position 97, G replaced by C.
Protein change: p.Val33Leu; replaces valine 33 with leucine.
Molecular consequence: missense variant. On other transcripts: 5 prime UTR variant (1), intron variant (3).
Genome position (GRCh38, 1-based): chr17:6,434,098, C>G on the plus strand (G>C on the coding strand, the complement: AIPL1 is on the minus strand). VCF-style: chr17-6434098-C-G. GRCh37 (hg19) VCF-style: chr17-6337418-C-G.
Other names: c.97G>C, p.Val33Leu (NM_001033054.3, NM_001285401.3, NM_001285403.4); c.-21G>C (NM_001285402.2); c.96+911G>C (NM_001033055.3); c.97-66G>C (NM_001285400.3); c.97-36G>C (NM_001285399.3); short protein forms V33L.
Identifiers: ClinVar variation 1485438 (VCV001485438.6), dbSNP rs1201292222, ClinGen allele CA397397725.

ClinVar aggregate classification (germline): Uncertain significance (1 of 4 stars; one submission).

Conditions:
Leber congenital amaurosis 4 (LCA4). Identifiers: MedGen C1858386, MONDO:0011458, OMIM 604393.

Submission:

Labcorp Genetics (formerly Invitae), Labcorp
Classification: Uncertain significance for Leber congenital amaurosis 4. Last evaluated: 2021-10-29. Review status: criteria provided, single submitter. Criteria: Invitae Variant Classification Sherloc (09022015). Collection method: clinical testing. Allele origin: germline.
Comment: In summary, the available evidence is currently insufficient to determine the role of this variant in disease. Therefore, it has been classified as a Variant of Uncertain Significance. Algorithms developed to predict the effect of sequence changes on RNA splicing suggest that this variant may disrupt the consensus splice site. Algorithms developed to predict the effect of missense changes on protein structure and function are either unavailable or do not agree on the potential impact of this missense change (SIFT: "Deleterious"; PolyPhen-2: "Benign"; Align-GVGD: "Class C0"). This variant has not been reported in the literature in individuals affected with AIPL1-related conditions. This variant is not present in population databases (gnomAD no frequency). This sequence change replaces valine, which is neutral and non-polar, with leucine, which is neutral and non-polar, at codon 33 of the AIPL1 protein (p.Val33Leu).